The following is an entry in ClinVar:

ClinVar aggregate classification (germline): Uncertain significance. Review status: criteria provided, multiple submitters, no conflicts (2 of 4 stars). 2 submissions from 2 submitters: Uncertain significance (2). Last evaluated 2026-01-22.

Conditions:
Spondyloepimetaphyseal dysplasia, PAPSS2 type. Also called: SEMD, PAKISTANI TYPE; BRACHYOLMIA TYPE 4 WITH MILD EPIPHYSEAL AND METAPHYSEAL CHANGES; SPONDYLODYSPLASIA AND PREMATURE PUBARCHE. Identifiers: Orphanet 93282, MedGen C2748516, MONDO:0019666, OMIM 612847.

Submissions (2):

Labcorp Genetics (formerly Invitae), Labcorp
Classification: Uncertain significance for Spondyloepimetaphyseal dysplasia, PAPSS2 type. Last evaluated: 2026-01-22. Review status: criteria provided, single submitter. Criteria: Invitae Variant Classification Sherloc (09022015). Collection method: clinical testing. Allele origin: germline.
Comment: This variant, c.1849_1851del, results in the deletion of 1 amino acid(s) of the PAPSS2 protein (p.Glu617del), but otherwise preserves the integrity of the reading frame. This variant is present in population databases (rs563421338, gnomAD 0.08%). This variant has not been reported in the literature in individuals affected with PAPSS2-related conditions. ClinVar contains an entry for this variant (Variation ID: 582845). Experimental studies and prediction algorithms are not available or were not evaluated, and the functional significance of this variant is currently unknown. In summary, the available evidence is currently insufficient to determine the role of this variant in disease. Therefore, it has been classified as a Variant of Uncertain Significance.

Fulgent Genetics
Classification: Uncertain significance for Spondyloepimetaphyseal dysplasia, PAPSS2 type. Last evaluated: 2024-02-05. Review status: criteria provided, single submitter. Criteria: ACMG Guidelines, 2015. Collection method: clinical testing. Allele origin: germline.

NM_001015880.2(PAPSS2):c.1849_1851del (p.Glu617del)

Gene: PAPSS2 (3'-phosphoadenosine 5'-phosphosulfate synthase 2; plus strand). Cytogenetic location: 10q23.31.
Variant type: Deletion.
Coding change: c.1849_1851del on transcript NM_001015880.2 (MANE Select); coding-DNA positions 1849 to 1851, 3 bases deleted (GAG; older notation c.1849_1851delGAG).
Protein change: p.Glu617del; deletes glutamic acid 617.
Molecular consequence: inframe deletion.
Genome position (GRCh38, 1-based): chr10:87,745,959-87,745,961, GAG deleted; deleting any 3 consecutive bases within chr10:87,745,958-87,745,961 gives the same sequence; the c. name uses the placement nearest the transcript's 3' end. VCF-style (leftmost placement, unchanged base first): chr10-87745957-TGGA-T. GRCh37 (hg19) VCF-style: chr10-89505714-TGGA-T.
Other names: c.1834_1836del, p.Glu612del (NM_004670.4); short protein forms E617del, E612del.
Identifiers: ClinVar variation 582845 (VCV000582845.7), dbSNP rs563421338, ClinGen allele CA5589870.
Genomic context (GRCh38, chr10:87,745,957, plus strand): 5'-CCCCAGATGGCTTCATGGCCCCCAAAGCATGGAAGGTCCTGACAGATTATTACAGGTCCC[TGGA>T]GAAGAACTAAGCCTTTGGCTCCAGAGTTTCTTTCTGAAGTGCTCTTTGATTACCTTTTCT-3'